The following is an entry in ClinVar:

ClinVar aggregate classification (germline): Likely pathogenic. Review status: reviewed by expert panel (3 of 4 stars). 2 submissions from 2 submitters: Likely pathogenic (1). 1 of the submissions does not count toward it. Last evaluated 2023-12-29.

Conditions:
Marfan syndrome (MFS). Also called: MARFAN SYNDROME, TYPE I; FBN1-Related Marfan Syndrome; Marfan syndrome, classic; Marfan syndrome type 1; Marfan's syndrome. Identifiers: Orphanet 284963, Orphanet 558, MedGen C0024796, MONDO:0007947, OMIM 154700.
Familial thoracic aortic aneurysm and aortic dissection (TAAD). Also called: Thoracic aortic aneurysms and dissections. Identifiers: Orphanet 91387, MedGen C4707243, MONDO:0019625.

Submissions (2):

ClinGen FBN1 Variant Curation Expert Panel, ClinGen
Classification: Likely pathogenic for Marfan syndrome. Last evaluated: 2023-12-29. Review status: reviewed by expert panel. Criteria: Assertion Criteria VCEP FBN1 Version 1. Collection method: curation. Allele origin: germline. Inheritance: Autosomal dominant inheritance.
Comment: The NM_00138 c.338C>G is a missense variant in FBN1 predicted to cause a substitution of a tyrosine by cysteine at amino acid 113 (p. Ser113Cys) within an EGF-like domain of the protein. Cysteine residues are believed to be involved in the formation of disulfide bridges which are essential for the protein structure and this variant may impact disulfide bonding (PM1). This variant has been reported twice in ClinVar: once as likely pathogenic and once as uncertain significance (Variation ID: 222600). It has been reported in the literature in individuals with a clinical diagnosis or clinical features of Marfan syndrome (PMID 34281902, Invitae Clinvar entry, Blueprint Genetics ClinVar entry, internal data, PS4_Mod). This variant is not present in gnomAD (PM2_sup; v2.1.1). Computational prediction tools and conservation analysis are inconclusive with regards to a possible impact on this variant protein function and structure (REVEL: 0.384). The constraint z-score for missense variants affecting FBN1 is 5.06 (PP2). In summary, this variant meets criteria to be classified as likely pathogenic for Marfan syndrome based on the ACMG/AMP criteria applied, as specified by the ClinGen FBN1 VCEP: PS4_Mod, PM1, PM2_Sup, PP2, PP4

Labcorp Genetics (formerly Invitae), Labcorp
Classification: Likely pathogenic for Marfan syndrome; Familial thoracic aortic aneurysm and aortic dissection. Last evaluated: 2025-08-21. Review status: criteria provided, single submitter. Criteria: Invitae Variant Classification Sherloc (09022015). Collection method: clinical testing. Allele origin: germline. Not counted in ClinVar's aggregate classification.
Comment: This sequence change replaces serine, which is neutral and polar, with cysteine, which is neutral and slightly polar, at codon 113 of the FBN1 protein (p.Ser113Cys). This variant is not present in population databases (gnomAD no frequency). This missense change has been observed in individual(s) with ectopia lentis and/or Marfan syndrome (PMID: 27906200, 34281902; internal data). In at least one individual the variant was observed to be de novo. ClinVar contains an entry for this variant (Variation ID: 222600). Invitae Evidence Modeling of protein sequence and biophysical properties (such as structural, functional, and spatial information, amino acid conservation, physicochemical variation, residue mobility, and thermodynamic stability) has been performed for this missense variant. However, the output from this modeling did not meet the statistical confidence thresholds required to predict the impact of this variant on FBN1 protein function. In summary, the currently available evidence indicates that the variant is pathogenic, but additional data are needed to prove that conclusively. Therefore, this variant has been classified as Likely Pathogenic.

Literature cited by the submitters: PubMed 27906200 (cited by Labcorp Genetics (formerly Invitae), Labcorp); PubMed 34281902 (cited by Labcorp Genetics (formerly Invitae), Labcorp).

NM_000138.5(FBN1):c.338C>G (p.Ser113Cys)

Gene: FBN1 (fibrillin 1; minus strand). Cytogenetic location: 15q21.1.
Variant type: single nucleotide variant.
Coding change: c.338C>G on transcript NM_000138.5 (MANE Select); coding-DNA position 338, C replaced by G.
Protein change: p.Ser113Cys; replaces serine 113 with cysteine.
Molecular consequence: missense variant.
Genome position (GRCh38, 1-based): chr15:48,610,736, G>C on the plus strand (C>G on the coding strand, the complement: FBN1 is on the minus strand). VCF-style: chr15-48610736-G-C. GRCh37 (hg19) VCF-style: chr15-48902933-G-C.
Other names: NM_000138.5(FBN1):c.338C>G; p.Ser113Cys; short protein forms S113C.
Identifiers: ClinVar variation 222600 (VCV000222600.9), dbSNP rs869025403, ClinGen allele CA353680.